The following is an entry in ClinVar:

ClinVar aggregate classification (germline): Pathogenic (1 of 4 stars; one submission).

Conditions:
Intellectual developmental disorder with or without epilepsy or cerebellar ataxia. Identifiers: MedGen C4748041, MONDO:0060745, OMIM 618060.

Submission:

Institute of Human Genetics, University of Leipzig Medical Center
Classification: Pathogenic for Intellectual developmental disorder with or without epilepsy or cerebellar ataxia. Last evaluated: 2024-07-23. Review status: criteria provided, single submitter. Criteria: ACMG Guidelines, 2015. Collection method: clinical testing. Allele origin: maternal. Inheritance: Autosomal dominant inheritance. Affected: yes.
Comment: Criteria applied: PVS1,PM2

NM_134261.3(RORA):c.731dup (p.Cys245fs)

Genes: RORA (RAR related orphan receptor A; minus strand), RORA-AS1 (RORA antisense RNA 1; plus strand). Cytogenetic location: 15q22.2.
Variant type: Duplication.
Coding change: c.731dup on transcript NM_134261.3 (MANE Select); coding-DNA position 731, one base duplicated (T; older notation c.731dupT).
Protein change: p.Cys245fs; shifts the reading frame from cysteine 245.
Molecular consequence: frameshift variant.
Genome position (GRCh38, 1-based): chr15:60,511,315, A duplicated on the plus strand (T on the coding strand, the reverse complement: RORA is on the minus strand). VCF-style (leftmost placement, unchanged base first): chr15-60511314-T-TA. GRCh37 (hg19) VCF-style: chr15-60803513-T-TA.
Other names: c.806dup, p.Cys270fs (NM_002943.4); c.830dup, p.Cys278fs (NM_134260.3); c.566dup, p.Cys190fs (NM_134262.3); short protein forms C190fs, C245fs, C270fs, C278fs.
Identifiers: ClinVar variation 3359018 (VCV003359018.3).
Genomic context (GRCh38, chr15:60,511,314, plus strand): 5'-AGTCTCGCCGTTGGTGAACGAACAGTAGGGAAAGAAGCCTGATGCTGGTGTGTAGTCACA[T>TA]ATTGGTTCTGGTTTGATTCCATTGATATCAAGACCTGACTGGTCTGGGGAAGGCTGTATG-3'